The following is an entry in ClinVar:

NM_000051.4(ATM):c.6588A>G (p.Arg2196=)

Genes: ATM (ATM serine/threonine kinase; plus strand), C11orf65 (chromosome 11 open reading frame 65; minus strand). Cytogenetic location: 11q22.3.
Variant type: single nucleotide variant.
Coding change: c.6588A>G on transcript NM_000051.4 (MANE Select); coding-DNA position 6588, A replaced by G.
Protein change: p.Arg2196=; no amino-acid change (arginine 2196 retained).
Molecular consequence: synonymous variant. On other transcripts: intron variant (2).
Genome position (GRCh38, 1-based): chr11:108,325,325, A>G. VCF-style: chr11-108325325-A-G. GRCh37 (hg19) VCF-style: chr11-108196052-A-G.
Other names: c.6588A>G, p.Arg2196= (NM_001351834.2); c.641-16254T>C (NM_001330368.2); c.*38+9895T>C (NM_001351110.2).
Identifiers: ClinVar variation 1692895 (VCV001692895.7), dbSNP rs2136307484, ClinGen allele CA476745010.

ClinVar aggregate classification (germline): Benign/Likely benign. Review status: criteria provided, multiple submitters, no conflicts (2 of 4 stars). 3 submissions from 3 submitters: Benign (1); Likely benign (2). Last evaluated 2024-07-18.

Conditions:
Ataxia-telangiectasia syndrome (AT). Also called: Ataxia telangiectasia (A-T); LOUIS-BAR SYNDROME; Cerebello-oculocutaneous telangiectasia; Immunodeficiency with ataxia telangiectasia; Ataxia-telangiectasia, complementation group D; AT, COMPLEMENTATION GROUP C. Identifiers: Orphanet 100, MedGen C0004135, MONDO:0008840, OMIM 208900.
Hereditary cancer-predisposing syndrome. Also called: Hereditary neoplastic syndrome; Neoplastic Syndromes, Hereditary; Tumor predisposition; Hereditary Cancer Syndrome. Identifiers: Orphanet 140162, MedGen C0027672, MeSH D009386, MONDO:0015356.
Familial cancer of breast. Also called: Hereditary breast cancer; hereditary breast carcinoma; BREAST CANCER, FAMILIAL. Identifiers: Orphanet 227535, MedGen C0346153, MONDO:0016419, OMIM 114480. Disease mechanism: loss of function.

Submissions (3):

Labcorp Genetics (formerly Invitae), Labcorp
Classification: Likely benign for Ataxia-telangiectasia syndrome. Last evaluated: 2024-07-18. Review status: criteria provided, single submitter. Criteria: Invitae Variant Classification Sherloc (09022015). Collection method: clinical testing. Allele origin: germline.

Myriad Genetics, Inc.
Classification: Benign for Familial cancer of breast. Last evaluated: 2024-06-07. Review status: criteria provided, single submitter. Criteria: Myriad Autosomal Dominant, Autosomal Recessive and X-Linked Classification Criteria (2023). Collection method: clinical testing. Allele origin: unknown.
Comment: This variant is considered benign. This variant is a silent/synonymous amino acid change and it is not expected to impact splicing.

Sema4
Classification: Likely benign for Hereditary cancer-predisposing syndrome. Last evaluated: 2021-04-05. Review status: criteria provided, single submitter. Criteria: Sema4 Curation Guidelines. Collection method: curation. Allele origin: germline.